The following is an entry in ClinVar:

ClinVar aggregate classification (germline): Uncertain significance (1 of 4 stars; one submission).

Submission:

Labcorp Genetics (formerly Invitae), Labcorp
Classification: Uncertain significance. Last evaluated: 2024-01-26. Review status: criteria provided, single submitter. Criteria: Invitae Variant Classification Sherloc (09022015). Collection method: clinical testing. Allele origin: germline.
Comment: This sequence change replaces leucine, which is neutral and non-polar, with valine, which is neutral and non-polar, at codon 251 of the AP3D1 protein (p.Leu251Val). This variant is not present in population databases (gnomAD no frequency). This variant has not been reported in the literature in individuals affected with AP3D1-related conditions. An algorithm developed to predict the effect of missense changes on protein structure and function (PolyPhen-2) suggests that this variant is likely to be disruptive. In summary, the available evidence is currently insufficient to determine the role of this variant in disease. Therefore, it has been classified as a Variant of Uncertain Significance.

NM_001261826.3(AP3D1):c.751T>G (p.Leu251Val)

Gene: AP3D1 (adaptor related protein complex 3 subunit delta 1; minus strand). Cytogenetic location: 19p13.3.
Variant type: single nucleotide variant.
Coding change: c.751T>G on transcript NM_001261826.3 (MANE Select); coding-DNA position 751, T replaced by G.
Protein change: p.Leu251Val; replaces leucine 251 with valine.
Molecular consequence: missense variant.
Genome position (GRCh38, 1-based): chr19:2,129,145, A>C on the plus strand (T>G on the coding strand, the complement: AP3D1 is on the minus strand). VCF-style: chr19-2129145-A-C. GRCh37 (hg19) VCF-style: chr19-2129144-A-C.
Other names: c.751T>G, p.Leu251Val (NM_001374799.1, NM_003938.8); short protein forms L251V.
Identifiers: ClinVar variation 3673110 (VCV003673110.2).